The following is an entry in ClinVar:

NM_003611.3(OFD1):c.2981G>A (p.Ser994Asn)

Gene: OFD1 (OFD1 centriole and centriolar satellite protein; plus strand). Cytogenetic location: Xp22.2.
Variant type: single nucleotide variant.
Coding change: c.2981G>A on transcript NM_003611.3 (MANE Select); coding-DNA position 2981, G replaced by A.
Protein change: p.Ser994Asn; replaces serine 994 with asparagine.
Molecular consequence: missense variant.
Genome position (GRCh38, 1-based): chrX:13,768,770, G>A. VCF-style: chrX-13768770-G-A. GRCh37 (hg19) VCF-style: chrX-13786889-G-A.
Other names: c.2861G>A, p.Ser954Asn (NM_001330209.2); c.2561G>A, p.Ser854Asn (NM_001330210.2); short protein forms S994N, S854N, S954N.
Identifiers: ClinVar variation 546457 (VCV000546457.2), dbSNP rs1555909002, ClinGen allele CA412314967.

ClinVar aggregate classification (germline): Uncertain significance (1 of 4 stars; one submission).

Submission:

GeneDx
Classification: Uncertain significance. Last evaluated: 2018-05-31. Review status: criteria provided, single submitter. Criteria: GeneDx Variant Classification (06012015). Collection method: clinical testing. Allele origin: germline. Affected: yes.
Comment: A variant of uncertain significance has been identified in the OFD1 gene. The S994N variant has not been published as a pathogenic variant, nor has it been reported as a benign variant to our knowledge. The S994N variant is a conservative amino acid substitution, which is not likely to impact secondary protein structure as these residues share similar properties. In-silico analyses, including protein predictors and evolutionary conservation, support that this variant does not alter protein structure/function. However, the S994N variant is not observed in large population cohorts (Lek et al., 2016). Therefore, based on the currently available information, it is unclear whether this variant is a pathogenic variant or a rare benign variant.